The following is an entry in ClinVar:

ClinVar aggregate classification (germline): Benign. Review status: criteria provided, multiple submitters, no conflicts (2 of 4 stars). 5 submissions from 4 submitters: Benign (5). Last evaluated 2021-07-30.

Conditions:
Fibromuscular dysplasia, multifocal. Identifiers: MedGen C5543412, MONDO:0859151, OMIM 619329.
Ehlers-Danlos syndrome, classic type, 1 (EDSCL1). Also called: Ehlers-Danlos Syndrome, Classic Type, COL5A1-Related; EHLERS-DANLOS SYNDROME, GRAVIS TYPE; EHLERS-DANLOS SYNDROME, SEVERE CLASSIC TYPE; Ehlers-Danlos syndrome, type 1; EDS I. Identifiers: MedGen C0268335, MONDO:0019567, OMIM 130000.

Allele frequency attached by ClinVar (database versions not stated): ESP Exome Variant Server 0.37137; gnomAD 0.39339 and 0.40071; 1000 Genomes Project 30x 0.40568; TOPMed 0.40229; 1000 Genomes Project 0.40895.
gnomAD v4.1: 715,576 of 1,611,774 alleles (44%); highest among the groups gnomAD compares: Admixed American, 66%; 163,584 homozygotes.

Submissions (5):

Genome-Nilou Lab
Classification: Benign for Ehlers-Danlos syndrome, classic type, 1. Last evaluated: 2021-07-30. Review status: criteria provided, single submitter. Criteria: ACMG Guidelines, 2015. Collection method: clinical testing. Allele origin: germline. Affected: no.

Genome-Nilou Lab
Classification: Benign for Fibromuscular dysplasia, multifocal. Last evaluated: 2021-07-30. Review status: criteria provided, single submitter. Criteria: ACMG Guidelines, 2015. Collection method: clinical testing. Allele origin: germline. Affected: no.

GeneDx
Classification: Benign. Last evaluated: 2018-06-14. Review status: criteria provided, single submitter. Criteria: GeneDx Variant Classification (06012015). Collection method: clinical testing. Allele origin: germline. Affected: yes.
Comment: This variant is considered likely benign or benign based on one or more of the following criteria: it is a conservative change, it occurs at a poorly conserved position in the protein, it is predicted to be benign by multiple in silico algorithms, and/or has population frequency not consistent with disease.

Breakthrough Genomics
Classification: Benign. Review status: criteria provided, single submitter. Criteria: ACMG Guidelines, 2015. Collection method: not provided. Allele origin: germline. Inheritance: Autosomal dominant inheritance. Affected: yes.

PreventionGenetics, part of Exact Sciences
Classification: Benign. Review status: criteria provided, single submitter. Criteria: ACMG Guidelines, 2015. Collection method: clinical testing. Allele origin: germline.

NM_000093.5(COL5A1):c.787-42C>T

Gene: COL5A1 (collagen type V alpha 1 chain; plus strand). Cytogenetic location: 9q34.3.
Variant type: single nucleotide variant.
Coding change: c.787-42C>T on transcript NM_000093.5 (MANE Select); 42 bases into the intron before coding-DNA position 787, C replaced by T.
Molecular consequence: intron variant.
Genome position (GRCh38, 1-based): chr9:134,728,628, C>T. VCF-style: chr9-134728628-C-T. GRCh37 (hg19) VCF-style: chr9-137620474-C-T.
Other names: c.787-42C>T (NM_001278074.1).
Identifiers: ClinVar variation 255100 (VCV000255100.6), dbSNP rs3124302, ClinGen allele CA5318527.